The following is an entry in ClinVar:

NM_024334.3(TMEM43):c.937G>A (p.Ala313Thr)

Gene: TMEM43 (transmembrane protein 43; plus strand). Cytogenetic location: 3p25.1.
Variant type: single nucleotide variant.
Coding change: c.937G>A on transcript NM_024334.3 (MANE Select); coding-DNA position 937, G replaced by A.
Protein change: p.Ala313Thr; replaces alanine 313 with threonine.
Molecular consequence: missense variant.
Genome position (GRCh38, 1-based): chr3:14,139,234, G>A. VCF-style: chr3-14139234-G-A. GRCh37 (hg19) VCF-style: chr3-14180734-G-A.
Other names: short protein forms A313T.
Identifiers: ClinVar variation 1421948 (VCV001421948.6), dbSNP rs2124995269, ClinGen allele CA351536191.

ClinVar aggregate classification (germline): Uncertain significance (1 of 4 stars; one submission).

Conditions:
Arrhythmogenic right ventricular dysplasia 5. Also called: Arrhythmogenic Right Ventricular Dysplasia/Cardiomyopathy 5; ARRHYTHMOGENIC RIGHT VENTRICULAR DYSPLASIA, FAMILIAL, 5. Identifiers: MedGen C1858379, MONDO:0011459, OMIM 604400.

Submission:

Labcorp Genetics (formerly Invitae), Labcorp
Classification: Uncertain significance for Arrhythmogenic right ventricular dysplasia 5. Last evaluated: 2024-02-05. Review status: criteria provided, single submitter. Criteria: Invitae Variant Classification Sherloc (09022015). Collection method: clinical testing. Allele origin: germline.
Comment: This sequence change replaces alanine, which is neutral and non-polar, with threonine, which is neutral and polar, at codon 313 of the TMEM43 protein (p.Ala313Thr). This variant is not present in population databases (gnomAD no frequency). This variant has not been reported in the literature in individuals affected with TMEM43-related conditions. ClinVar contains an entry for this variant (Variation ID: 1421948). Advanced modeling of protein sequence and biophysical properties (such as structural, functional, and spatial information, amino acid conservation, physicochemical variation, residue mobility, and thermodynamic stability) performed at Invitae indicates that this missense variant is not expected to disrupt TMEM43 protein function with a negative predictive value of 80%. In summary, the available evidence is currently insufficient to determine the role of this variant in disease. Therefore, it has been classified as a Variant of Uncertain Significance.